The following is an entry in ClinVar:

NM_000245.4(MET):c.1580G>A (p.Ser527Asn)

Gene: MET (MET proto-oncogene, receptor tyrosine kinase; plus strand). Cytogenetic location: 7q31.2.
Variant type: single nucleotide variant.
Coding change: c.1580G>A on transcript NM_000245.4 (MANE Select); coding-DNA position 1580, G replaced by A.
Protein change: p.Ser527Asn; replaces serine 527 with asparagine.
Molecular consequence: missense variant.
Genome position (GRCh38, 1-based): chr7:116,740,904, G>A. VCF-style: chr7-116740904-G-A. GRCh37 (hg19) VCF-style: chr7-116380958-G-A.
Other names: c.1580G>A, p.Ser527Asn (NM_001127500.3, NM_001324401.3); c.290G>A, p.Ser97Asn (NM_001324402.2); short protein forms S527N, S97N.
Identifiers: ClinVar variation 1009100 (VCV001009100.8), dbSNP rs1328454755, ClinGen allele CA368975264.

ClinVar aggregate classification (germline): Uncertain significance (1 of 4 stars; one submission).

Conditions:
Renal cell carcinoma. Identifiers: Orphanet 217071, MedGen C0007134, MeSH D002292, MONDO:0005086, HP:0005584.

Allele frequency attached by ClinVar (database versions not stated): TOPMed 0.00001.
gnomAD v4.1: 2 of 1,614,182 alleles (0.00012%); highest among the groups gnomAD compares: Non-Finnish European, 0.00017%; no homozygotes.

Submission:

Labcorp Genetics (formerly Invitae), Labcorp
Classification: Uncertain significance for Renal cell carcinoma. Last evaluated: 2022-07-19. Review status: criteria provided, single submitter. Criteria: Invitae Variant Classification Sherloc (09022015). Collection method: clinical testing. Allele origin: germline.
Comment: ClinVar contains an entry for this variant (Variation ID: 1009100). This variant has not been reported in the literature in individuals affected with MET-related conditions. This variant is not present in population databases (gnomAD no frequency). This sequence change replaces serine, which is neutral and polar, with asparagine, which is neutral and polar, at codon 527 of the MET protein (p.Ser527Asn). In summary, the available evidence is currently insufficient to determine the role of this variant in disease. Therefore, it has been classified as a Variant of Uncertain Significance. Algorithms developed to predict the effect of missense changes on protein structure and function are either unavailable or do not agree on the potential impact of this missense change (SIFT: "Deleterious"; PolyPhen-2: "Probably Damaging"; Align-GVGD: "Class C0").